The following is an entry in ClinVar:

ClinVar aggregate classification (germline): Conflicting classifications of pathogenicity. Review status: criteria provided, conflicting classifications (1 of 4 stars). 6 submissions from 6 submitters: Uncertain significance (4); Likely benign (1). 1 of the submissions does not count toward it. Last evaluated 2025-03-06.

Conditions:
Hereditary cancer-predisposing syndrome. Also called: Neoplastic Syndromes, Hereditary; Tumor predisposition; Hereditary Cancer Syndrome; Hereditary neoplastic syndrome. Identifiers: Orphanet 140162, MedGen C0027672, MeSH D009386, MONDO:0015356.
Hereditary breast ovarian cancer syndrome. Also called: Hereditary breast and ovarian cancer syndrome; Hereditary breast and ovarian cancer; Hereditary breast and ovarian cancer syndrome (HBOC); Breast and ovarian cancer; Hereditary breast and/or ovarian cancer syndrome; BRCA1- and BRCA2-Associated Hereditary Breast and Ovarian Cancer. Identifiers: Orphanet 145, MedGen C0677776, MeSH D061325, MONDO:0003582. Disease mechanism: loss of function.
Breast-ovarian cancer, familial, susceptibility to, 2 (BROVCA2). Also called: BRCA2 Hereditary Breast and Ovarian Cancer. Identifiers: Orphanet 145, MedGen C2675520, MONDO:0012933, OMIM 612555. Disease mechanism: loss of function.
BRCA2-related cancer predisposition. Identifiers: MedGen CN377758, MONDO:0700269.

Allele frequency attached by ClinVar (database versions not stated): TOPMed below 0.00001; gnomAD 0.00001.
gnomAD v4.1: 1 of 1,613,900 alleles (0.000062%); no homozygotes.

Submissions (6):

Quest Diagnostics Nichols Institute San Juan Capistrano
Classification: Uncertain significance. Last evaluated: 2025-03-06. Review status: criteria provided, single submitter. Criteria: Quest Diagnostics criteria. Collection method: clinical testing. Allele origin: unknown.
Comment: The BRCA2 c.3419G>C (p.Ser1140Thr) variant has been reported in the published literature in individuals with breast cancer in a breast cancer association study (PMID: 33471991 (2021), see also LOVD, and described to be located in a region of the BRCA2 gene that is tolerant to missense sequence changes (PMID: 31911673 (2020)). The frequency of this variant in the general population (Genome Aggregation Database) is uninformative in the assessment of its pathogenicity. Analysis of this variant using bioinformatics tools for the prediction of the effect of amino acid changes on protein structure and function yielded predictions that this variant is benign. Based on the available information, we are unable to determine the clinical significance of this variant.

Ambry Genetics
Classification: Uncertain significance for Hereditary cancer-predisposing syndrome. Last evaluated: 2025-01-25. Review status: criteria provided, single submitter. Criteria: Ambry Variant Classification Scheme 2023. Collection method: clinical testing. Allele origin: germline.
Comment: The p.S1140T variant (also known as c.3419G>C), located in coding exon 10 of the BRCA2 gene, results from a G to C substitution at nucleotide position 3419. The serine at codon 1140 is replaced by threonine, an amino acid with similar properties. This amino acid position is poorly conserved in available vertebrate species. In addition, this alteration is predicted to be tolerated by in silico analysis. Since supporting evidence is limited at this time, the clinical significance of this alteration remains unclear.

Labcorp Genetics (formerly Invitae), Labcorp
Classification: Uncertain significance for Hereditary breast ovarian cancer syndrome. Last evaluated: 2024-10-29. Review status: criteria provided, single submitter. Criteria: Invitae Variant Classification Sherloc (09022015). Collection method: clinical testing. Allele origin: germline.
Comment: This sequence change replaces serine, which is neutral and polar, with threonine, which is neutral and polar, at codon 1140 of the BRCA2 protein (p.Ser1140Thr). This variant is not present in population databases (gnomAD no frequency). This variant has not been reported in the literature in individuals affected with BRCA2-related conditions. ClinVar contains an entry for this variant (Variation ID: 51459). Invitae Evidence Modeling of protein sequence and biophysical properties (such as structural, functional, and spatial information, amino acid conservation, physicochemical variation, residue mobility, and thermodynamic stability) indicates that this missense variant is not expected to disrupt BRCA2 protein function with a negative predictive value of 95%. In summary, the available evidence is currently insufficient to determine the role of this variant in disease. Therefore, it has been classified as a Variant of Uncertain Significance.

University of Washington Department of Laboratory Medicine, University of Washington
Classification: Likely benign for Hereditary cancer-predisposing syndrome. Last evaluated: 2023-03-23. Review status: criteria provided, single submitter. Criteria: Dines et al. (Genet Med. 2020). Collection method: curation. Allele origin: germline.
Comment: Missense variant in a coldspot region where missense variants are very unlikely to be pathogenic (PMID:31911673).

BRCA2 exon 11 coldspot. Reclassification based on statistical prior probability.

Department of Pathology and Laboratory Medicine, Sinai Health System
Classification: Uncertain significance for BRCA2-related cancer predisposition. Last evaluated: 2022-12-08. Review status: criteria provided, single submitter. Criteria: ACMG Guidelines, 2015. Collection method: clinical testing. Allele origin: germline. Affected: yes.

Breast Cancer Information Core (BIC) (BRCA2)
Classification: Uncertain significance for Breast-ovarian cancer, familial 2. Last evaluated: 1999-04-05. Review status: no assertion criteria provided. Collection method: clinical testing. Allele origin: germline. Affected: yes. Observed: 2 variant alleles. Not counted in ClinVar's aggregate classification.

Literature cited by the submitters: PubMed 33471991 (cited by Quest Diagnostics Nichols Institute San Juan Capistrano); PubMed 31911673 (cited by Quest Diagnostics Nichols Institute San Juan Capistrano).

NM_000059.4(BRCA2):c.3419G>C (p.Ser1140Thr)

Gene: BRCA2 (BRCA2 DNA repair associated; plus strand). Cytogenetic location: 13q13.1.
Variant type: single nucleotide variant.
Coding change: c.3419G>C on transcript NM_000059.4 (MANE Select); coding-DNA position 3419, G replaced by C.
Protein change: p.Ser1140Thr; replaces serine 1140 with threonine.
Molecular consequence: missense variant.
Genome position (GRCh38, 1-based): chr13:32,337,774, G>C. VCF-style: chr13-32337774-G-C. GRCh37 (hg19) VCF-style: chr13-32911911-G-C.
Other names: short protein forms S1140T.
Identifiers: ClinVar variation 51459 (VCV000051459.15), dbSNP rs80358585, ClinGen allele CA017980.